The following is an entry in ClinVar:

NM_003070.5(SMARCA2):c.669GCA[8] (p.Gln234_Gln238del)

Gene: SMARCA2 (SWI/SNF related BAF chromatin remodeling complex subunit ATPase 2; plus strand). Cytogenetic location: 9p24.3.
Variant type: Microsatellite.
Coding change: c.669GCA[8] on transcript NM_003070.5 (MANE Select); eight copies in a row of the 3-base unit GCA starting at c.669; the reference has 13 copies in a row; five copies, 15 bases deleted; also written c.693_707del.
Protein change: p.Gln234_Gln238del.
Molecular consequence: inframe deletion. On other transcripts: inframe indel (1).
Genome position (GRCh38, 1-based): chr9:2,039,803-2,039,817, GCAGCAGCAGCAGCA deleted; deleting any 15 consecutive bases within chr9:2,039,777-2,039,817 gives the same sequence; the position shown is the placement nearest the transcript's 3' end. VCF-style (leftmost placement, unchanged base first): chr9-2039776-ACAGCAGCAGCAGCAG-A. GRCh37 (hg19) VCF-style: chr9-2039776-ACAGCAGCAGCAGCAG-A.
Other names: p.Gln234_Gln238del; c.693_707del15 (NM_003070.3); c.693_707del (NM_003070.5); c.669_671GCA[8], p.Gln234_Gln238del (NM_001289396.2); c.669GCA[8], p.Gln234_Gln238del (NM_001289397.2, NM_139045.4).
Identifiers: ClinVar variation 212230 (VCV000212230.55), dbSNP rs113070757, ClinGen allele CA208532.

ClinVar aggregate classification (germline): Benign/Likely benign. Review status: criteria provided, multiple submitters, no conflicts (2 of 4 stars). 11 submissions from 11 submitters: Benign (3); Likely benign (6). 2 of the submissions do not count toward it. Last evaluated 2026-09-01.

Conditions:
Inborn genetic diseases. Identifiers: MedGen C0950123, MeSH D030342.

Submissions (11):

CeGaT Center for Human Genetics Tuebingen
Classification: Benign. Last evaluated: 2026-09-01. Review status: criteria provided, single submitter. Criteria: CeGaT Center For Human Genetics Tuebingen Variant Classification Criteria Version 2. Collection method: clinical testing. Allele origin: germline. Affected: yes. Observed: 38 variant alleles.
Comment: SMARCA2: BS1, BS2

Labcorp Genetics (formerly Invitae), Labcorp
Classification: Likely benign. Last evaluated: 2025-05-16. Review status: criteria provided, single submitter. Criteria: Invitae Variant Classification Sherloc (09022015). Collection method: clinical testing. Allele origin: germline.

Mayo Clinic Laboratories, Mayo Clinic
Classification: Likely benign. Last evaluated: 2025-03-11. Review status: criteria provided, single submitter. Criteria: ACMG Guidelines, 2015. Collection method: clinical testing. Allele origin: germline. Observed: 2 variant alleles.
Comment: BS2, BP3

Laboratory of Genetics, Children's Clinical University Hospital Latvia
Classification: Benign. Last evaluated: 2025-02-16. Review status: criteria provided, single submitter. Criteria: ACMG Guidelines, 2015. Collection method: clinical testing. Allele origin: germline. Affected: yes.

Blueprint Genetics
Classification: Likely benign. Last evaluated: 2024-11-26. Review status: criteria provided, single submitter. Criteria: ACMG Guidelines, 2015. Collection method: clinical testing. Allele origin: germline.

GeneDx
Classification: Benign. Last evaluated: 2018-11-05. Review status: criteria provided, single submitter. Criteria: GeneDx Variant Classification Process June 2021. Collection method: clinical testing. Allele origin: germline. Affected: yes.

Ambry Genetics
Classification: Likely benign for Inborn genetic diseases. Last evaluated: 2018-10-07. Review status: criteria provided, single submitter. Criteria: Ambry Variant Classification Scheme 2023. Collection method: clinical testing. Allele origin: germline.

Center for Pediatric Genomic Medicine, Children's Mercy Hospital and Clinics
Classification: Likely benign. Last evaluated: 2017-08-29. Review status: criteria provided, single submitter. Criteria: ACMG Guidelines, 2015. Collection method: clinical testing. Allele origin: germline.

Genetic Services Laboratory, University of Chicago
Classification: Likely benign. Last evaluated: 2015-07-24. Review status: criteria provided, single submitter. Criteria: ACMG Guidelines, 2015. Collection method: clinical testing. Allele origin: germline.

Diagnostic Laboratory, Department of Genetics, University Medical Center Groningen
Classification: Likely benign. Review status: no assertion criteria provided. Collection method: clinical testing. Allele origin: germline. Affected: yes. Study: VKGL Data-share Consensus. Not counted in ClinVar's aggregate classification.

Laboratory of Diagnostic Genome Analysis, Leiden University Medical Center (LUMC)
Classification: Likely benign. Review status: no assertion criteria provided. Collection method: clinical testing. Allele origin: germline. Affected: yes. Study: VKGL Data-share Consensus. Not counted in ClinVar's aggregate classification.